The following is an entry in ClinVar:

NM_001287.6(CLCN7):c.1078T>C (p.Phe360Leu)

Gene: CLCN7 (chloride voltage-gated channel 7; minus strand). Cytogenetic location: 16p13.3.
Variant type: single nucleotide variant.
Coding change: c.1078T>C on transcript NM_001287.6 (MANE Select); coding-DNA position 1078, T replaced by C.
Protein change: p.Phe360Leu; replaces phenylalanine 360 with leucine.
Molecular consequence: missense variant.
Genome position (GRCh38, 1-based): chr16:1,455,154, A>G on the plus strand (T>C on the coding strand, the complement: CLCN7 is on the minus strand). VCF-style: chr16-1455154-A-G. GRCh37 (hg19) VCF-style: chr16-1505155-A-G.
Other names: c.1006T>C, p.Phe336Leu (NM_001114331.3); short protein forms F336L, F360L.
Identifiers: ClinVar variation 4705161 (VCV004705161.1).

ClinVar aggregate classification (germline): Uncertain significance (1 of 4 stars; one submission).

Submission:

Labcorp Genetics (formerly Invitae), Labcorp
Classification: Uncertain significance. Last evaluated: 2025-11-04. Review status: criteria provided, single submitter. Criteria: Invitae Variant Classification Sherloc (09022015). Collection method: clinical testing. Allele origin: germline.
Comment: This sequence change replaces phenylalanine, which is neutral and non-polar, with leucine, which is neutral and non-polar, at codon 360 of the CLCN7 protein (p.Phe360Leu). This variant is not present in population databases (gnomAD no frequency). This variant has not been reported in the literature in individuals affected with CLCN7-related conditions. An algorithm developed to predict the effect of missense changes on protein structure and function (PolyPhen-2) suggests that this variant is likely to be tolerated. In summary, the available evidence is currently insufficient to determine the role of this variant in disease. Therefore, it has been classified as a Variant of Uncertain Significance.